The following is an entry in ClinVar:

NM_006929.5(SKIC2):c.3069+10_3069+23del

Gene: SKIC2 (SKI2 subunit of superkiller complex; plus strand). Cytogenetic location: 6p21.33.
Variant type: Deletion.
Coding change: c.3069+10_3069+23del on transcript NM_006929.5 (MANE Select); bases 10 to 23 of the intron after coding-DNA position 3069, 14 bases deleted (TGGGTGGTAACTCC).
Molecular consequence: intron variant.
Genome position (GRCh38, 1-based): chr6:31,968,548-31,968,561, TGGGTGGTAACTCC deleted; deleting any 14 consecutive bases within chr6:31,968,546-31,968,561 gives the same sequence; the c. name uses the placement nearest the transcript's 3' end. VCF-style (leftmost placement, unchanged base first): chr6-31968545-CCCTGGGTGGTAACT-C. GRCh37 (hg19) VCF-style: chr6-31936322-CCCTGGGTGGTAACT-C.
Identifiers: ClinVar variation 4727104 (VCV004727104.1).

ClinVar aggregate classification (germline): Uncertain significance (1 of 4 stars; one submission).

Submission:

Labcorp Genetics (formerly Invitae), Labcorp
Classification: Uncertain significance. Last evaluated: 2025-09-14. Review status: criteria provided, single submitter. Criteria: Invitae Variant Classification Sherloc (09022015). Collection method: clinical testing. Allele origin: germline.
Comment: This sequence change falls in intron 24 of the SKIV2L gene. It does not directly change the encoded amino acid sequence of the SKIV2L protein. This variant is not present in population databases (gnomAD no frequency). This variant has not been reported in the literature in individuals affected with SKIV2L-related conditions. Experimental studies and prediction algorithms are not available or were not evaluated, and the effect of this variant on mRNA splicing is currently unknown. In summary, the available evidence is currently insufficient to determine the role of this variant in disease. Therefore, it has been classified as a Variant of Uncertain Significance.